The following is an entry in ClinVar:

NM_000760.4(CSF3R):c.1475-3C>A

Gene: CSF3R (colony stimulating factor 3 receptor; minus strand). Cytogenetic location: 1p34.3.
Variant type: single nucleotide variant.
Coding change: c.1475-3C>A on transcript NM_000760.4 (MANE Select); 3 bases into the intron before coding-DNA position 1475, C replaced by A.
Molecular consequence: intron variant.
Genome position (GRCh38, 1-based): chr1:36,469,260, G>T on the plus strand (C>A on the coding strand, the complement: CSF3R is on the minus strand). VCF-style: chr1-36469260-G-T. GRCh37 (hg19) VCF-style: chr1-36934861-G-T.
Other names: c.1475-3C>A (NM_156039.3, NM_172313.3).
Identifiers: ClinVar variation 2024931 (VCV002024931.4), dbSNP rs1650548360, ClinGen allele CA2580062702.

ClinVar aggregate classification (germline): Uncertain significance (1 of 4 stars; one submission).

Conditions:
Autosomal recessive severe congenital neutropenia due to CSF3R deficiency. Also called: Neutropenia, severe congenital, 7, autosomal recessive. Identifiers: Orphanet 420702, MedGen C4310764, MONDO:0014865, OMIM 617014.

Submission:

Labcorp Genetics (formerly Invitae), Labcorp
Classification: Uncertain significance for Autosomal recessive severe congenital neutropenia due to CSF3R deficiency. Last evaluated: 2022-08-19. Review status: criteria provided, single submitter. Criteria: Invitae Variant Classification Sherloc (09022015). Collection method: clinical testing. Allele origin: germline.
Comment: In summary, the available evidence is currently insufficient to determine the role of this variant in disease. Therefore, it has been classified as a Variant of Uncertain Significance. Variants that disrupt the consensus splice site are a relatively common cause of aberrant splicing (PMID: 17576681, 9536098). Algorithms developed to predict the effect of sequence changes on RNA splicing suggest that this variant may disrupt the consensus splice site. This variant has not been reported in the literature in individuals affected with CSF3R-related conditions. This variant is not present in population databases (gnomAD no frequency). This sequence change falls in intron 11 of the CSF3R gene. It does not directly change the encoded amino acid sequence of the CSF3R protein. It affects a nucleotide within the consensus splice site.

Literature cited by the submitters: PubMed 17576681; PubMed 9536098.